The following is an entry in ClinVar:

ClinVar aggregate classification (germline): Uncertain significance (1 of 4 stars; one submission).

Submission:

Ambry Genetics
Classification: Uncertain significance. Last evaluated: 2024-08-22. Review status: criteria provided, single submitter. Criteria: Ambry Variant Classification Scheme 2023. Collection method: clinical testing. Allele origin: germline.
Comment: The p.L127F variant (also known as c.379C>T), located in coding exon 4 of the RINT1 gene, results from a C to T substitution at nucleotide position 379. The leucine at codon 127 is replaced by phenylalanine, an amino acid with highly similar properties. This amino acid position is conserved. In addition, this alteration is predicted to be tolerated by in silico analysis. Based on the available evidence, the clinical significance of this variant remains unclear.

NM_021930.6(RINT1):c.379C>T (p.Leu127Phe)

Gene: RINT1 (RAD50 interactor 1; plus strand). Cytogenetic location: 7q22.3.
Variant type: single nucleotide variant.
Coding change: c.379C>T on transcript NM_021930.6 (MANE Select); coding-DNA position 379, C replaced by T.
Protein change: p.Leu127Phe; replaces leucine 127 with phenylalanine.
Molecular consequence: missense variant. On other transcripts: 5 prime UTR variant (3), non-coding transcript variant (1).
Genome position (GRCh38, 1-based): chr7:105,542,513, C>T. VCF-style: chr7-105542513-C-T. GRCh37 (hg19) VCF-style: chr7-105182960-C-T.
Other names: c.145C>T, p.Leu49Phe (NM_001346599.2); c.-641C>T (NM_001346600.2); c.-544C>T (NM_001346601.2); c.-164C>T (NM_001346603.2); short protein forms L127F, L49F.
Identifiers: ClinVar variation 3433606 (VCV003433606.1).